The following is an entry in ClinVar:

NM_018249.6(CDK5RAP2):c.5578T>C (p.Leu1860=)

Gene: CDK5RAP2 (CDK5 regulatory subunit associated protein 2; minus strand). Cytogenetic location: 9q33.2.
Variant type: single nucleotide variant.
Coding change: c.5578T>C on transcript NM_018249.6 (MANE Select); coding-DNA position 5578, T replaced by C.
Protein change: p.Leu1860=; no amino-acid change (leucine 1860 retained).
Molecular consequence: synonymous variant. On other transcripts: non-coding transcript variant (5).
Genome position (GRCh38, 1-based): chr9:120,394,512, A>G on the plus strand (T>C on the coding strand, the complement: CDK5RAP2 is on the minus strand). VCF-style: chr9-120394512-A-G. GRCh37 (hg19) VCF-style: chr9-123156790-A-G.
Other names: c.5341T>C, p.Leu1781= (NM_001011649.3); c.4888T>C, p.Leu1630= (NM_001272039.2).
Identifiers: ClinVar variation 158167 (VCV000158167.23), dbSNP rs77100552, ClinGen allele CA171595.

ClinVar aggregate classification (germline): Benign/Likely benign. Review status: criteria provided, multiple submitters, no conflicts (2 of 4 stars). 6 submissions from 6 submitters: Benign (3); Likely benign (2). 1 of the submissions does not count toward it. Last evaluated 2026-01-18.

Conditions:
CDK5RAP2-related disorder. Also called: CDK5RAP2-related condition.
Microcephaly 3, primary, autosomal recessive. Identifiers: Orphanet 2512, MedGen C1858108, MONDO:0011488, OMIM 604804.

Allele frequency attached by ClinVar (database versions not stated): ESP Exome Variant Server 0.00038; gnomAD 0.00243 and 0.00344; TOPMed 0.00436; 1000 Genomes Project 30x 0.01437; 1000 Genomes Project 0.01597.
gnomAD v4.1: 4,612 of 1,614,160 alleles (0.29%); highest among the groups gnomAD compares: East Asian, 8.5%; 194 homozygotes.

Submissions 1 to 30 of 53:

Labcorp Genetics (formerly Invitae), Labcorp
Classification: Benign. Last evaluated: 2026-01-18. Review status: criteria provided, single submitter. Criteria: Invitae Variant Classification Sherloc (09022015). Collection method: clinical testing. Allele origin: germline.

Fulgent Genetics
Classification: Likely benign for Microcephaly 3, primary, autosomal recessive. Last evaluated: 2022-03-22. Review status: criteria provided, single submitter. Criteria: ACMG Guidelines, 2015. Collection method: clinical testing. Allele origin: unknown.

GeneDx
Classification: Benign. Last evaluated: 2017-11-14. Review status: criteria provided, single submitter. Criteria: GeneDx Variant Classification (06012015). Collection method: clinical testing. Allele origin: germline. Affected: yes.
Comment: This variant is considered likely benign or benign based on one or more of the following criteria: it is a conservative change, it occurs at a poorly conserved position in the protein, it is predicted to be benign by multiple in silico algorithms, and/or has population frequency not consistent with disease.

Genetic Services Laboratory, University of Chicago
Classification: Benign. Last evaluated: 2013-02-08. Review status: criteria provided, single submitter. Criteria: ACMG Guidelines, 2007. Collection method: clinical testing. Allele origin: germline. Inheritance: Autosomal recessive inheritance.

Breakthrough Genomics
Classification: Likely benign. Review status: criteria provided, single submitter. Criteria: ACMG Guidelines, 2015. Collection method: not provided. Allele origin: germline. Inheritance: Autosomal recessive inheritance. Affected: yes.

PreventionGenetics, part of Exact Sciences
Classification: Benign for CDK5RAP2-related condition. Last evaluated: 2019-11-14. Review status: no assertion criteria provided. Collection method: clinical testing. Allele origin: germline. Not counted in ClinVar's aggregate classification.
Comment: This variant is classified as benign based on ACMG/AMP sequence variant interpretation guidelines (Richards et al. 2015 PMID: 25741868, with internal and published modifications).

Dr. Peter K. Rogan Lab, Western University
No classification provided (evidence only). Condition: Melanoma. Review status: no classification provided. Collection method: in vitro. Allele origin: not applicable. Functional consequence: retained intron. Not counted in ClinVar's aggregate classification.

Dr. Peter K. Rogan Lab, Western University
No classification provided (evidence only). Condition: Thyroid cancer, nonmedullary, 1. Review status: no classification provided. Collection method: in vitro. Allele origin: not applicable. Functional consequence: retained intron. Not counted in ClinVar's aggregate classification.

Dr. Peter K. Rogan Lab, Western University
No classification provided (evidence only). Condition: Thyroid cancer, nonmedullary, 1. Review status: no classification provided. Collection method: in vitro. Allele origin: not applicable. Functional consequence: retained intron. Not counted in ClinVar's aggregate classification.

Dr. Peter K. Rogan Lab, Western University
No classification provided (evidence only). Condition: Thyroid cancer, nonmedullary, 1. Review status: no classification provided. Collection method: in vitro. Allele origin: not applicable. Functional consequence: retained intron. Not counted in ClinVar's aggregate classification.

Dr. Peter K. Rogan Lab, Western University
No classification provided (evidence only). Condition: Thyroid cancer, nonmedullary, 1. Review status: no classification provided. Collection method: in vitro. Allele origin: not applicable. Functional consequence: retained intron. Not counted in ClinVar's aggregate classification.

Dr. Peter K. Rogan Lab, Western University
No classification provided (evidence only). Condition: Thyroid cancer, nonmedullary, 1. Review status: no classification provided. Collection method: in vitro. Allele origin: not applicable. Functional consequence: retained intron. Not counted in ClinVar's aggregate classification.

Dr. Peter K. Rogan Lab, Western University
No classification provided (evidence only). Condition: Thyroid cancer, nonmedullary, 1. Review status: no classification provided. Collection method: in vitro. Allele origin: not applicable. Functional consequence: retained intron. Not counted in ClinVar's aggregate classification.

Dr. Peter K. Rogan Lab, Western University
No classification provided (evidence only). Condition: Thyroid cancer, nonmedullary, 1. Review status: no classification provided. Collection method: in vitro. Allele origin: not applicable. Functional consequence: retained intron. Not counted in ClinVar's aggregate classification.

Dr. Peter K. Rogan Lab, Western University
No classification provided (evidence only). Condition: Thyroid cancer, nonmedullary, 1. Review status: no classification provided. Collection method: in vitro. Allele origin: not applicable. Functional consequence: retained intron. Not counted in ClinVar's aggregate classification.

Dr. Peter K. Rogan Lab, Western University
No classification provided (evidence only). Condition: Thyroid cancer, nonmedullary, 1. Review status: no classification provided. Collection method: in vitro. Allele origin: not applicable. Functional consequence: retained intron. Not counted in ClinVar's aggregate classification.

Dr. Peter K. Rogan Lab, Western University
No classification provided (evidence only). Condition: Uterine corpus endometrial carcinoma. Review status: no classification provided. Collection method: in vitro. Allele origin: not applicable. Functional consequence: retained intron. Not counted in ClinVar's aggregate classification.

Dr. Peter K. Rogan Lab, Western University
No classification provided (evidence only). Condition: Cervical cancer. Review status: no classification provided. Collection method: in vitro. Allele origin: not applicable. Functional consequence: retained intron. Not counted in ClinVar's aggregate classification.

Dr. Peter K. Rogan Lab, Western University
No classification provided (evidence only). Condition: Sarcoma. Review status: no classification provided. Collection method: in vitro. Allele origin: not applicable. Functional consequence: retained intron. Not counted in ClinVar's aggregate classification.

Dr. Peter K. Rogan Lab, Western University
No classification provided (evidence only). Condition: Malignant lymphoma, large B-cell, diffuse. Review status: no classification provided. Collection method: in vitro. Allele origin: not applicable. Functional consequence: retained intron. Not counted in ClinVar's aggregate classification.

Dr. Peter K. Rogan Lab, Western University
No classification provided (evidence only). Condition: Hepatocellular carcinoma. Review status: no classification provided. Collection method: in vitro. Allele origin: not applicable. Functional consequence: retained intron. Not counted in ClinVar's aggregate classification.

Dr. Peter K. Rogan Lab, Western University
No classification provided (evidence only). Condition: Hepatocellular carcinoma. Review status: no classification provided. Collection method: in vitro. Allele origin: not applicable. Functional consequence: retained intron. Not counted in ClinVar's aggregate classification.

Dr. Peter K. Rogan Lab, Western University
No classification provided (evidence only). Condition: Hepatocellular carcinoma. Review status: no classification provided. Collection method: in vitro. Allele origin: not applicable. Functional consequence: retained intron. Not counted in ClinVar's aggregate classification.

Dr. Peter K. Rogan Lab, Western University
No classification provided (evidence only). Condition: Hepatocellular carcinoma. Review status: no classification provided. Collection method: in vitro. Allele origin: not applicable. Functional consequence: retained intron. Not counted in ClinVar's aggregate classification.

Dr. Peter K. Rogan Lab, Western University
No classification provided (evidence only). Condition: Hepatocellular carcinoma. Review status: no classification provided. Collection method: in vitro. Allele origin: not applicable. Functional consequence: retained intron. Not counted in ClinVar's aggregate classification.

Dr. Peter K. Rogan Lab, Western University
No classification provided (evidence only). Condition: Hepatocellular carcinoma. Review status: no classification provided. Collection method: in vitro. Allele origin: not applicable. Functional consequence: retained intron. Not counted in ClinVar's aggregate classification.

Dr. Peter K. Rogan Lab, Western University
No classification provided (evidence only). Condition: Hepatocellular carcinoma. Review status: no classification provided. Collection method: in vitro. Allele origin: not applicable. Functional consequence: retained intron. Not counted in ClinVar's aggregate classification.

Dr. Peter K. Rogan Lab, Western University
No classification provided (evidence only). Condition: Hepatocellular carcinoma. Review status: no classification provided. Collection method: in vitro. Allele origin: not applicable. Functional consequence: retained intron. Not counted in ClinVar's aggregate classification.

Dr. Peter K. Rogan Lab, Western University
No classification provided (evidence only). Condition: Hepatocellular carcinoma. Review status: no classification provided. Collection method: in vitro. Allele origin: not applicable. Functional consequence: retained intron. Not counted in ClinVar's aggregate classification.

Dr. Peter K. Rogan Lab, Western University
No classification provided (evidence only). Condition: Hepatocellular carcinoma. Review status: no classification provided. Collection method: in vitro. Allele origin: not applicable. Functional consequence: retained intron. Not counted in ClinVar's aggregate classification.